The following is an entry in ClinVar:

NM_000506.5(F2):c.798C>T (p.Asp266=)

Gene: F2 (coagulation factor II, thrombin; plus strand). Cytogenetic location: 11p11.2.
Variant type: single nucleotide variant.
Coding change: c.798C>T on transcript NM_000506.5 (MANE Select); coding-DNA position 798, C replaced by T.
Protein change: p.Asp266=; no amino-acid change (aspartic acid 266 retained).
Molecular consequence: synonymous variant.
Genome position (GRCh38, 1-based): chr11:46,726,097, C>T. VCF-style: chr11-46726097-C-T. GRCh37 (hg19) VCF-style: chr11-46747647-C-T.
Other names: c.798C>T (NM_000506.4).
Identifiers: ClinVar variation 304810 (VCV000304810.36), dbSNP rs138260543, ClinGen allele CA5967051.

ClinVar aggregate classification (germline): Benign/Likely benign. Review status: criteria provided, multiple submitters, no conflicts (2 of 4 stars). 5 submissions from 5 submitters: Benign (1); Likely benign (4). Last evaluated 2026-01-19.

Conditions:
F2-related disorder. Also called: F2-related disorders; F2-related condition.
Congenital prothrombin deficiency. Also called: Inherited hypoprothrombinemia; Congenital factor II deficiency; Inherited prothrombin deficiency; Factor II deficiency; HYPOPROTHROMBINEMIA; Hereditary factor II deficiency disease. Identifiers: Orphanet 325, MedGen C0272317, MONDO:0013361, OMIM 613679.
Inborn genetic diseases. Identifiers: MedGen C0950123, MeSH D030342.

Allele frequency attached by ClinVar (database versions not stated): ESP Exome Variant Server 0.00008; TOPMed 0.00014; gnomAD 0.00019; gnomAD exomes 0.00056; ExAC 0.00058; 1000 Genomes Project 0.00120; 1000 Genomes Project 30x 0.00125.
gnomAD v4.1: 601 of 1,614,182 alleles (0.037%); highest among the groups gnomAD compares: South Asian, 0.33%; 5 homozygotes.

Submissions (5):

Labcorp Genetics (formerly Invitae), Labcorp
Classification: Benign for Congenital prothrombin deficiency. Last evaluated: 2026-01-19. Review status: criteria provided, single submitter. Criteria: Invitae Variant Classification Sherloc (09022015). Collection method: clinical testing. Allele origin: germline.

PreventionGenetics, part of Exact Sciences
Classification: Likely benign for F2-related condition. Last evaluated: 2025-07-16. Review status: criteria provided, single submitter. Criteria: ACMG Guidelines, 2015. Collection method: clinical testing. Allele origin: germline.
Comment: This variant is classified as likely benign based on ACMG/AMP sequence variant interpretation guidelines (Richards et al. 2015 PMID: 25741868, with internal and published modifications).

Blueprint Genetics
Classification: Likely benign. Last evaluated: 2024-11-19. Review status: criteria provided, single submitter. Criteria: ACMG Guidelines, 2015. Collection method: clinical testing. Allele origin: germline.

Ambry Genetics
Classification: Likely benign for Inborn genetic diseases. Last evaluated: 2022-09-26. Review status: criteria provided, single submitter. Criteria: Ambry Variant Classification Scheme 2023. Collection method: clinical testing. Allele origin: germline.

CeGaT Center for Human Genetics Tuebingen
Classification: Likely benign. Last evaluated: 2022-05-01. Review status: criteria provided, single submitter. Criteria: CeGaT Center For Human Genetics Tuebingen Variant Classification Criteria Version 2. Collection method: clinical testing. Allele origin: germline. Affected: yes. Observed: 1 variant allele.
Comment: F2: BP4, BP7